The following is an entry in ClinVar:

ClinVar aggregate classification (germline): Uncertain significance (1 of 4 stars; one submission).

Conditions:
Immunodeficiency 19 (IMD19). Also called: IMMUNODEFICIENCY 19, SEVERE COMBINED; SCID, T CELL-NEGATIVE, B CELL-POSITIVE, NK CELL-POSITIVE; CD3-DELTA DEFICIENCY; SEVERE COMBINED IMMUNODEFICIENCY, T CELL-NEGATIVE, B CELL-POSITIVE, NK CELL-POSITIVE. Identifiers: MedGen C3810147, MONDO:0014280, OMIM 615617.

Allele frequency attached by ClinVar (database versions not stated): TOPMed below 0.00001; gnomAD 0.00001.
gnomAD v4.1: 1 of 1,609,908 alleles (0.000062%); highest among the groups gnomAD compares: African/African-American, 0.0013%; no homozygotes.

Submission:

Labcorp Genetics (formerly Invitae), Labcorp
Classification: Uncertain significance for Immunodeficiency 19. Last evaluated: 2022-06-04. Review status: criteria provided, single submitter. Criteria: Invitae Variant Classification Sherloc (09022015). Collection method: clinical testing. Allele origin: germline.
Comment: This sequence change replaces serine, which is neutral and polar, with arginine, which is basic and polar, at codon 20 of the CD3D protein (p.Ser20Arg). This variant is not present in population databases (gnomAD no frequency). This variant has not been reported in the literature in individuals affected with CD3D-related conditions. ClinVar contains an entry for this variant (Variation ID: 658379). Algorithms developed to predict the effect of missense changes on protein structure and function (SIFT, PolyPhen-2, Align-GVGD) all suggest that this variant is likely to be tolerated. In summary, the available evidence is currently insufficient to determine the role of this variant in disease. Therefore, it has been classified as a Variant of Uncertain Significance.

NM_000732.6(CD3D):c.60C>G (p.Ser20Arg)

Gene: CD3D (CD3 delta subunit of T-cell receptor complex; minus strand). Cytogenetic location: 11q23.3.
Variant type: single nucleotide variant.
Coding change: c.60C>G on transcript NM_000732.6 (MANE Select); coding-DNA position 60, C replaced by G.
Protein change: p.Ser20Arg; replaces serine 20 with arginine.
Molecular consequence: missense variant.
Genome position (GRCh38, 1-based): chr11:118,340,589, G>C on the plus strand (C>G on the coding strand, the complement: CD3D is on the minus strand). VCF-style: chr11-118340589-G-C. GRCh37 (hg19) VCF-style: chr11-118211304-G-C.
Other names: c.60C>G, p.Ser20Arg (NM_001040651.2); short protein forms S20R.
Identifiers: ClinVar variation 658379 (VCV000658379.6), dbSNP rs529268621, ClinGen allele CA229522918.